The following is an entry in ClinVar:

NM_000532.5(PCCB):c.460C>T (p.Pro154Ser)

Gene: PCCB (propionyl-CoA carboxylase subunit beta; plus strand). Cytogenetic location: 3q22.3.
Variant type: single nucleotide variant.
Coding change: c.460C>T on transcript NM_000532.5 (MANE Select); coding-DNA position 460, C replaced by T.
Protein change: p.Pro154Ser; replaces proline 154 with serine.
Molecular consequence: missense variant.
Genome position (GRCh38, 1-based): chr3:136,261,982, C>T. VCF-style: chr3-136261982-C-T. GRCh37 (hg19) VCF-style: chr3-135980824-C-T.
Other names: c.460C>T (NM_000532.4); c.520C>T, p.Pro174Ser (NM_001178014.2); short protein forms P154S, P174S.
Identifiers: ClinVar variation 1008157 (VCV001008157.10), dbSNP rs1468203736, ClinGen allele CA354739594.

ClinVar aggregate classification (germline): Uncertain significance. Review status: criteria provided, multiple submitters, no conflicts (2 of 4 stars). 3 submissions from 3 submitters: Uncertain significance (2). 1 of the submissions does not count toward it. Last evaluated 2023-12-15.

Conditions:
Propionic acidemia (PROP). Also called: GLYCINEMIA, KETOTIC; HYPERGLYCINEMIA WITH KETOACIDOSIS AND LEUKOPENIA; KETOTIC HYPERGLYCINEMIA. Identifiers: Orphanet 35, MedGen C0268579, MONDO:0011628, OMIM 606054, HP:0003571.
Inborn genetic diseases. Identifiers: MedGen C0950123, MeSH D030342.

Allele frequency attached by ClinVar (database versions not stated): gnomAD exomes below 0.00001 and 0.00001.

Submissions (3):

Ambry Genetics
Classification: Uncertain significance for Inborn genetic diseases. Last evaluated: 2023-12-15. Review status: criteria provided, single submitter. Criteria: Ambry Variant Classification Scheme 2023. Collection method: clinical testing. Allele origin: germline.

Labcorp Genetics (formerly Invitae), Labcorp
Classification: Uncertain significance for Propionic acidemia. Last evaluated: 2022-11-22. Review status: criteria provided, single submitter. Criteria: Invitae Variant Classification Sherloc (09022015). Collection method: clinical testing. Allele origin: germline.
Comment: In summary, the available evidence is currently insufficient to determine the role of this variant in disease. Therefore, it has been classified as a Variant of Uncertain Significance. Advanced modeling of protein sequence and biophysical properties (such as structural, functional, and spatial information, amino acid conservation, physicochemical variation, residue mobility, and thermodynamic stability) performed at Invitae indicates that this missense variant is expected to disrupt PCCB protein function. ClinVar contains an entry for this variant (Variation ID: 1008157). This variant has not been reported in the literature in individuals affected with PCCB-related conditions. The frequency data for this variant in the population databases is considered unreliable, as metrics indicate poor data quality at this position in the gnomAD database. This sequence change replaces proline, which is neutral and non-polar, with serine, which is neutral and polar, at codon 154 of the PCCB protein (p.Pro154Ser).

Natera, Inc.
Classification: Uncertain significance for Propionic acidemia. Last evaluated: 2021-08-05. Review status: no assertion criteria provided. Collection method: clinical testing. Allele origin: germline. Not counted in ClinVar's aggregate classification.